The following is an entry in ClinVar:

NM_014991.6(WDFY3):c.3579G>A (p.Trp1193Ter)

Gene: WDFY3 (WD repeat and FYVE domain containing 3; minus strand). Cytogenetic location: 4q21.23.
Variant type: single nucleotide variant.
Coding change: c.3579G>A on transcript NM_014991.6 (MANE Select); coding-DNA position 3579, G replaced by A.
Protein change: p.Trp1193Ter; replaces tryptophan 1193 with a stop codon.
Molecular consequence: nonsense.
Genome position (GRCh38, 1-based): chr4:84,789,816, C>T on the plus strand (G>A on the coding strand, the complement: WDFY3 is on the minus strand). VCF-style: chr4-84789816-C-T. GRCh37 (hg19) VCF-style: chr4-85710969-C-T.
Other names: short protein forms W1193*.
Identifiers: ClinVar variation 1805197 (VCV001805197.2), dbSNP rs2533590867, ClinGen allele CA357558605.
Genomic context (GRCh38, chr4:84,789,816, plus strand): 5'-ATAAAGGGCTGCAGTACTGTTTTTCAACATGCCTTTGCTCATTACCAGGACCAAATGATG[C>T]CACTGTCCCTCAATGATAAGCTCTCCACATCGAAAGCGAGCACAGCATGGGAGAATTTCA-3'

ClinVar aggregate classification (germline): Pathogenic (1 of 4 stars; one submission).

Conditions:
Neurodevelopmental disorder. Identifiers: MedGen C1535926, MeSH D065886, MONDO:0700092.

Submission:

Victorian Clinical Genetics Services, Murdoch Childrens Research Institute
Classification: Pathogenic for Neurodevelopmental disorder. Last evaluated: 2022-02-02. Review status: criteria provided, single submitter. Criteria: ACMG Guidelines, 2015. Collection method: clinical testing. Allele origin: germline. Inheritance: Autosomal dominant inheritance. Affected: yes.
Comment: Based on the classification scheme VCGS_Germline_v1.3.4, this variant is classified as Pathogenic. Following criteria are met: 0102 - Loss of function is a known mechanism of disease in this gene and is associated with neurodevelopmental disorder (MONDO#0700092), WDFY3-associated. While the specific function of WDFY3 protein in disease pathogenesis is currently unclear, it has been functionally proven that a downstream effect of the upregulation of Wnt signalling results in microcephaly (MIM#617520) and the downregulation of Wnt signalling leads to macrocephaly. The latter was further supported by mouse models (PMID: 27008544, 31327001). (I) 0107 - This gene is associated with autosomal dominant disease. In addition, null variants resulting from premature termination codons have recently been associated with neurodevelopmental disorder (MONDO#0700092; PMID: 31327001). (I) 0201 - Variant is predicted to cause nonsense-mediated decay (NMD) and loss of protein (premature termination codon is located at least 54 nucleotides upstream of the final exon-exon junction). (SP) 0251 - This variant is heterozygous. (I) 0301 - Variant is absent from gnomAD (both v2 and v3). (SP) 0701 - Other NMD-predicted variants comparable to the one identified in this case have very strong previous evidence for pathogenicity. Several others have been reported, either de novo or inherited from a similarly affected parent, in individuals with neurodevelopmental disorder (PMID: 31327001). (SP) 0807 - This variant has no previous evidence of pathogenicity. (I) 0905 - No published segregation evidence has been identified for this variant. (I) 1007 - No published functional evidence has been identified for this variant. (I) 1208 - Inheritance information for this variant is not currently available in this individual. (I) Legend: (SP) - Supporting pathogenic, (I) - Information, (SB) - Supporting benign

Literature cited by the submitters: PubMed 27008544; PubMed 31327001.